The following is an entry in ClinVar:

NM_020937.4(FANCM):c.1160G>A (p.Cys387Tyr)

Gene: FANCM (FA complementation group M; plus strand). Cytogenetic location: 14q21.2.
Variant type: single nucleotide variant.
Coding change: c.1160G>A on transcript NM_020937.4 (MANE Select); coding-DNA position 1160, G replaced by A.
Protein change: p.Cys387Tyr; replaces cysteine 387 with tyrosine.
Molecular consequence: missense variant.
Genome position (GRCh38, 1-based): chr14:45,154,029, G>A. VCF-style: chr14-45154029-G-A. GRCh37 (hg19) VCF-style: chr14-45623232-G-A.
Other names: c.1082G>A, p.Cys361Tyr (NM_001308133.2); c.1160G>A, p.Cys387Tyr (NM_001308134.2); short protein forms C387Y, C361Y.
Identifiers: ClinVar variation 4619511 (VCV004619511.1).

ClinVar aggregate classification (germline): Uncertain significance (1 of 4 stars; one submission).

Conditions:
Inborn genetic diseases. Identifiers: MedGen C0950123, MeSH D030342.

Submission:

Ambry Genetics
Classification: Uncertain significance for Inborn genetic diseases. Last evaluated: 2025-10-22. Review status: criteria provided, single submitter. Criteria: Ambry Variant Classification Scheme 2023. Collection method: clinical testing. Allele origin: germline.
Comment: The p.C387Y variant (also known as c.1160G>A), located in coding exon 6 of the FANCM gene, results from a G to A substitution at nucleotide position 1160. The cysteine at codon 387 is replaced by tyrosine, an amino acid with highly dissimilar properties. This amino acid position is conserved. In addition, this alteration is predicted to be tolerated by in silico analysis. Based on the available evidence, the clinical significance of this variant remains unclear.